The following is an entry in ClinVar:

NM_018896.5(CACNA1G):c.3634C>T (p.Leu1212=)

Gene: CACNA1G (calcium voltage-gated channel subunit alpha1 G; plus strand). Cytogenetic location: 17q21.33.
Variant type: single nucleotide variant.
Coding change: c.3634C>T on transcript NM_018896.5 (MANE Select); coding-DNA position 3634, C replaced by T.
Protein change: p.Leu1212=; no amino-acid change (leucine 1212 retained).
Molecular consequence: synonymous variant. On other transcripts: non-coding transcript variant (5).
Genome position (GRCh38, 1-based): chr17:50,599,803, C>T. VCF-style: chr17-50599803-C-T. GRCh37 (hg19) VCF-style: chr17-48677164-C-T.
Other names: c.3634C>T, p.Leu1212= (NM_001256324.2, NM_001256325.2, NM_001256326.2 and 16 more transcripts); c.3565C>T, p.Leu1189= (NM_001256332.2, NM_198376.3, NM_198379.3 and 5 more transcripts).
Identifiers: ClinVar variation 2647917 (VCV002647917.27), dbSNP rs559633001, ClinGen allele CA8652764.

ClinVar aggregate classification (germline): Benign. Review status: criteria provided, multiple submitters, no conflicts (2 of 4 stars). 2 submissions from 2 submitters: Benign (2). Last evaluated 2022-11-25.

Allele frequency attached by ClinVar (database versions not stated): gnomAD 0.00005; gnomAD exomes 0.00006; ExAC 0.00016; 1000 Genomes Project 0.00040; 1000 Genomes Project 30x 0.00062.
gnomAD v4.1: 95 of 1,612,344 alleles (0.0059%); highest among the groups gnomAD compares: South Asian, 0.1%; no homozygotes.

Submissions (2):

Labcorp Genetics (formerly Invitae), Labcorp
Classification: Benign. Last evaluated: 2022-11-25. Review status: criteria provided, single submitter. Criteria: Invitae Variant Classification Sherloc (09022015). Collection method: clinical testing. Allele origin: germline.

CeGaT Center for Human Genetics Tuebingen
Classification: Benign. Last evaluated: 2022-04-01. Review status: criteria provided, single submitter. Criteria: CeGaT Center For Human Genetics Tuebingen Variant Classification Criteria Version 2. Collection method: clinical testing. Allele origin: germline. Affected: yes. Observed: 1 variant allele.
Comment: CACNA1G: BS1, BS2